The following is an entry in ClinVar:

ClinVar aggregate classification (germline): Pathogenic (1 of 4 stars; one submission).

Submission:

ISCA site 4
Classification: Pathogenic. Last evaluated: 2011-08-12. Review status: criteria provided, single submitter. Criteria: Kaminsky et al. (Genet Med. 2011). Collection method: clinical testing. Allele origin: unknown. Affected: yes. Observed: 1 variant allele.
Comment: Copy number variation identified through the course of routine clinical cytogenomic testing in postnatal populations. Clinical assertions have been curated as described in Kaminsky et al. 2011.

GRCh38/hg38 17p13.3(chr17:1368601-1589181)x3

Genes: CRK (CRK proto-oncogene, adaptor protein; minus strand), CRK-AS1 (CRK antisense RNA 1; plus strand), INPP5K (inositol polyphosphate-5-phosphatase K; minus strand), MYO1C (myosin IC; minus strand), PITPNA (phosphatidylinositol transfer protein alpha; minus strand) and 19 more. Cytogenetic location: 17p13.3.
Variant type: copy number gain.
Change: copy number 3 (three copies instead of two) of chr17:1,368,601-1,589,181 (220.6 kb, GRCh38 coordinates, 1-based), cytogenetic band 17p13.3.
Identifiers: ClinVar variation 57176 (VCV000057176.1).